The following is an entry in ClinVar:

ClinVar aggregate classification (germline): Conflicting classifications of pathogenicity. Review status: criteria provided, conflicting classifications (1 of 4 stars). 4 submissions from 4 submitters: Likely pathogenic (2); Uncertain significance (2). Last evaluated 2026-03-27.

Conditions:
Chuvash polycythemia. Also called: POLYCYTHEMIA, VHL-DEPENDENT. Identifiers: Orphanet 238557, MedGen C1837915, MONDO:0009892, OMIM 263400.
Von Hippel-Lindau syndrome (VHLS). Also called: Von Hippel-Lindau; von Hippel–Lindau syndrome; VHL syndrome. Identifiers: Orphanet 892, MedGen C0019562, MONDO:0008667, OMIM 193300. Disease mechanism: loss of function.
Hereditary cancer-predisposing syndrome. Also called: Tumor predisposition; Hereditary Cancer Syndrome; Hereditary neoplastic syndrome; Neoplastic Syndromes, Hereditary. Identifiers: Orphanet 140162, MedGen C0027672, MeSH D009386, MONDO:0015356.

Submissions (4):

Genetics Laboratory, Great Ormond Street Hospital NHS Foundation Trust, North Thames Genomic Laboratory Hub
Classification: Uncertain significance for Von Hippel Lindau syndrome. Last evaluated: 2026-03-27. Review status: criteria provided, single submitter. Criteria: CanVIG Consensus Spec V3.0. Collection method: clinical testing. Allele origin: germline. Affected: yes.
Comment: PS4_supporting, PM2_supporting, PM4_moderate

Labcorp Genetics (formerly Invitae), Labcorp
Classification: Likely pathogenic for Von Hippel-Lindau syndrome; Chuvash polycythemia. Last evaluated: 2025-09-24. Review status: criteria provided, single submitter. Criteria: Invitae Variant Classification Sherloc (09022015). Collection method: clinical testing. Allele origin: germline.
Comment: This sequence change disrupts the translational stop signal of the VHL mRNA. It is expected to extend the length of the VHL protein by 14 additional amino acid residues. This variant is not present in population databases (gnomAD no frequency). This protein extension has been observed in individuals with pheochromocytoma (PMID: 33219105; internal data). It has also been observed to segregate with disease in related individuals. ClinVar contains an entry for this variant (Variation ID: 801933). Algorithms developed to predict the effect of variants on gene product structure and function are not available or were not evaluated for this variant. Experimental studies have shown that another stop loss extension affects VHL function (PMID: 20560986). In summary, the currently available evidence indicates that the variant is pathogenic, but additional data are needed to prove that conclusively. Therefore, this variant has been classified as Likely Pathogenic.

Mendelics
Classification: Likely pathogenic for Von Hippel-Lindau syndrome. Last evaluated: 2019-05-28. Review status: criteria provided, single submitter. Criteria: Mendelics Assertion Criteria 2017. Collection method: clinical testing. Allele origin: unknown.

Ambry Genetics
Classification: Uncertain significance for Hereditary cancer-predisposing syndrome. Last evaluated: 2019-04-04. Review status: criteria provided, single submitter. Criteria: Ambry Variant Classification Scheme 2023. Collection method: clinical testing. Allele origin: germline.
Comment: The c.640T>A variant (also known as p.*214REXT*14), located in coding exon 3 of the VHL gene, results from a T to A substitution at nucleotide position 640, which is the last nucleotide of the VHL gene. The stop codon at position 214 is replaced by Arginine, resulting in an elongation of the protein by 14 amino acids. Frameshifts are typically deleterious in nature, however, this frameshift occurs at the 3' terminus of VHL and is not expected to trigger nonsense-mediated mRNA decay. The exact functional impact of these inserted amino acids is unknown at this time. Since supporting evidence is limited at this time, the clinical significance of this alteration remains unclear.

Literature cited by the submitters: PubMed 33219105 (cited by Labcorp Genetics (formerly Invitae), Labcorp and Ambry Genetics); PubMed 20560986 (cited by Labcorp Genetics (formerly Invitae), Labcorp).

NM_000551.4(VHL):c.640T>A (p.Ter214Arg)

Genes: VHL (von Hippel-Lindau tumor suppressor; plus strand), LOC107303340 (3p25 von Hippel-Lindau tumor suppressor, E3 ubiquitin protein ligase Alu-mediated recombination region; plus strand). Cytogenetic location: 3p25.3.
Variant type: single nucleotide variant.
Coding change: c.640T>A on transcript NM_000551.4 (MANE Select); coding-DNA position 640, T replaced by A.
Protein change: p.Ter214Arg.
Molecular consequence: stop lost. On other transcripts: 3 prime UTR variant (1).
Genome position (GRCh38, 1-based): chr3:10,149,963, T>A. VCF-style: chr3-10149963-T-A. GRCh37 (hg19) VCF-style: chr3-10191647-T-A.
Other names: *214R; *173R; c.*194T>A (NM_001354723.2); c.517T>A, p.Ter173Arg (NM_198156.3).
Identifiers: ClinVar variation 801933 (VCV000801933.11), dbSNP rs1575932781, ClinGen allele CA351756718.